The following is an entry in ClinVar:

ClinVar aggregate classification (germline): Benign. Review status: criteria provided, multiple submitters, no conflicts (2 of 4 stars). 3 submissions from 2 submitters: Benign (3). Last evaluated 2018-07-07.

Conditions:
DNA ligase IV deficiency. Identifiers: Orphanet 99812, MedGen C1847827, MONDO:0011686, OMIM 606593.
Severe combined immunodeficiency due to DCLRE1C deficiency (RS-SCID). Also called: SCID, AUTOSOMAL RECESSIVE, T CELL-NEGATIVE, B CELL-NEGATIVE, NK CELL-POSITIVE, WITH SENSITIVITY TO IONIZING RADIATION. Identifiers: Orphanet 275, MedGen C1865371, MONDO:0011225, OMIM 602450.

Allele frequency attached by ClinVar (database versions not stated): gnomAD exomes 0.00214; gnomAD 0.02174 and 0.02025; 1000 Genomes Project 0.02576; 1000 Genomes Project 30x 0.02514; TOPMed 0.02279.
gnomAD v4.1: 4,206 of 663,610 alleles (0.63%); highest among the groups gnomAD compares: African/African-American, 7%; 127 homozygotes.

Submissions (3):

GeneDx
Classification: Benign. Last evaluated: 2018-07-07. Review status: criteria provided, single submitter. Criteria: GeneDx Variant Classification Process June 2021. Collection method: clinical testing. Allele origin: germline. Affected: yes.

Illumina Laboratory Services, Illumina
Classification: Benign for Severe combined immunodeficiency due to DCLRE1C deficiency. Last evaluated: 2018-01-12. Review status: criteria provided, single submitter. Criteria: ICSL Variant Classification Criteria 13 December 2019. Collection method: clinical testing. Allele origin: germline.
Comment: This variant was observed in the ICSL laboratory as part of a predisposition screen in an ostensibly healthy population. It had not been previously curated by ICSL or reported in the Human Gene Mutation Database (HGMD: prior to June 1st, 2018), and was therefore a candidate for classification through an automated scoring system. Utilizing variant allele frequency, disease prevalence and penetrance estimates, and inheritance mode, an automated score was calculated to assess if this variant is too frequent to cause the disease. Based on the score and internal cut-off values, a variant classified as benign is not then subjected to further curation. The score for this variant resulted in a classification of benign for this disease.

Illumina Laboratory Services, Illumina
Classification: Benign for DNA ligase IV deficiency. Last evaluated: 2018-01-12. Review status: criteria provided, single submitter. Criteria: ICSL Variant Classification Criteria 13 December 2019. Collection method: clinical testing. Allele origin: germline.
Comment: the same text as in the submission from Illumina Laboratory Services, Illumina above.

NM_206937.2(LIG4):c.*129A>G

Gene: LIG4 (DNA ligase 4; minus strand). Cytogenetic location: 13q33.3.
Variant type: single nucleotide variant.
Coding change: c.*129A>G on transcript NM_206937.2 (MANE Select); 129 bases downstream of the stop codon, A replaced by G.
Molecular consequence: 3 prime UTR variant.
Genome position (GRCh38, 1-based): chr13:108,208,404, T>C on the plus strand (A>G on the coding strand, the complement: LIG4 is on the minus strand). VCF-style: chr13-108208404-T-C. GRCh37 (hg19) VCF-style: chr13-108860752-T-C.
Other names: c.*129A>G (NM_001098268.2, NM_001330595.2, NM_001352598.2 and 8 more transcripts).
Identifiers: ClinVar variation 310967 (VCV000310967.7), dbSNP rs3093767, ClinGen allele CA10643684.